The following is an entry in ClinVar:

ClinVar aggregate classification (germline): Conflicting classifications of pathogenicity. Review status: criteria provided, conflicting classifications (1 of 4 stars). 7 submissions from 7 submitters: Uncertain significance (1); Benign (1); Likely benign (4). 1 of the submissions does not count toward it. Last evaluated 2026-01-01.

Conditions:
ITPR1-related disorder. Also called: ITPR1-related condition.

Allele frequency attached by ClinVar (database versions not stated): 1000 Genomes Project 30x 0.00016; 1000 Genomes Project 0.00020; ExAC 0.00024; ESP Exome Variant Server 0.00024; gnomAD exomes 0.00027 and 0.00039; gnomAD 0.00029 and 0.00033; TOPMed 0.00033.
gnomAD v4.1: 618 of 1,612,902 alleles (0.038%); highest among the groups gnomAD compares: Non-Finnish European, 0.048%; 1 homozygote.

Submissions (7):

CeGaT Center for Human Genetics Tuebingen
Classification: Likely benign. Last evaluated: 2026-01-01. Review status: criteria provided, single submitter. Criteria: CeGaT Center For Human Genetics Tuebingen Variant Classification Criteria Version 2. Collection method: clinical testing. Allele origin: germline. Affected: yes. Observed: 2 variant alleles.
Comment: ITPR1: BP4, BP7

Labcorp Genetics (formerly Invitae), Labcorp
Classification: Likely benign. Last evaluated: 2025-12-11. Review status: criteria provided, single submitter. Criteria: Invitae Variant Classification Sherloc (09022015). Collection method: clinical testing. Allele origin: germline.

Blueprint Genetics
Classification: Likely benign. Last evaluated: 2024-10-24. Review status: criteria provided, single submitter. Criteria: ACMG Guidelines, 2015. Collection method: clinical testing. Allele origin: germline.

Athena Diagnostics
Classification: Benign. Last evaluated: 2021-05-07. Review status: criteria provided, single submitter. Criteria: Athena Diagnostics criteria. Collection method: clinical testing. Allele origin: unknown.

GeneDx
Classification: Likely benign. Last evaluated: 2021-05-03. Review status: criteria provided, single submitter. Criteria: GeneDx Variant Classification Process June 2021. Collection method: clinical testing. Allele origin: germline. Affected: yes.

Eurofins Ntd Llc (ga)
Classification: Uncertain significance. Last evaluated: 2015-11-25. Review status: criteria provided, single submitter. Criteria: EGL Classification Definitions 2015. Collection method: clinical testing. Allele origin: germline. Observed: 1 variant allele, 1 heterozygote.

PreventionGenetics, part of Exact Sciences
Classification: Likely benign for ITPR1-related condition. Last evaluated: 2019-07-15. Review status: no assertion criteria provided. Collection method: clinical testing. Allele origin: germline. Not counted in ClinVar's aggregate classification.
Comment: This variant is classified as likely benign based on ACMG/AMP sequence variant interpretation guidelines (Richards et al. 2015 PMID: 25741868, with internal and published modifications).

NM_001378452.1(ITPR1):c.3921C>T (p.His1307=)

Gene: ITPR1 (inositol 1,4,5-trisphosphate receptor type 1; plus strand). Cytogenetic location: 3p26.1.
Variant type: single nucleotide variant.
Coding change: c.3921C>T on transcript NM_001378452.1 (MANE Select); coding-DNA position 3921, C replaced by T.
Protein change: p.His1307=; no amino-acid change (histidine 1307 retained).
Molecular consequence: synonymous variant.
Genome position (GRCh38, 1-based): chr3:4,691,236, C>T. VCF-style: chr3-4691236-C-T. GRCh37 (hg19) VCF-style: chr3-4732920-C-T.
Other names: c.3894C>T, p.His1298= (NM_001099952.4); c.3876C>T, p.His1292= (NM_001168272.2); c.3849C>T, p.His1283= (NM_002222.7).
Identifiers: ClinVar variation 284759 (VCV000284759.42), dbSNP rs61757108, ClinGen allele CA2231843.
Genomic context (GRCh38, chr3:4,691,236, plus strand): 5'-CATGAACAATTTCCAGCTTTGCAGTGAGATCAACGAGAGAGTTGTTCAGCACTTCGTTCA[C>T]TGCATAGAGACTCACGGTCGGAATGTCCAGTATATAAAGTTCTTACAGACAATTGTCAAG-3'
Protein context (NP_001365381.1, residues 1297-1317): INERVVQHFV[His1307=]CIETHGRNVQ